The following is an entry in ClinVar:

ClinVar aggregate classification (germline): Uncertain significance (1 of 4 stars; one submission).

Conditions:
Inborn genetic diseases. Identifiers: MedGen C0950123, MeSH D030342.

Submission:

Ambry Genetics
Classification: Uncertain significance for Inborn genetic diseases. Last evaluated: 2023-11-08. Review status: criteria provided, single submitter. Criteria: Ambry Variant Classification Scheme 2023. Collection method: clinical testing. Allele origin: germline.
Comment: The p.A901V variant (also known as c.2702C>T), located in coding exon 13 of the ATR gene, results from a C to T substitution at nucleotide position 2702. The alanine at codon 901 is replaced by valine, an amino acid with similar properties. This amino acid position is conserved. In addition, this alteration is predicted to be tolerated by in silico analysis. Since supporting evidence is limited at this time, the clinical significance of this alteration remains unclear.

NM_001184.4(ATR):c.2702C>T (p.Ala901Val)

Gene: ATR (ATR checkpoint kinase; minus strand). Cytogenetic location: 3q23.
Variant type: single nucleotide variant.
Coding change: c.2702C>T on transcript NM_001184.4 (MANE Select); coding-DNA position 2702, C replaced by T.
Protein change: p.Ala901Val; replaces alanine 901 with valine.
Molecular consequence: missense variant.
Genome position (GRCh38, 1-based): chr3:142,553,330, G>A on the plus strand (C>T on the coding strand, the complement: ATR is on the minus strand). VCF-style: chr3-142553330-G-A. GRCh37 (hg19) VCF-style: chr3-142272172-G-A.
Other names: c.2510C>T, p.Ala837Val (NM_001354579.2); short protein forms A837V, A901V.
Identifiers: ClinVar variation 3221096 (VCV003221096.1), dbSNP rs2108462443, ClinGen allele CA354814669.
Genomic context (GRCh38, chr3:142,553,330, plus strand): 5'-TTAACACTTTTAGCTGCAACCAGAGCTCTAATTTCTGTGTATGCTGCTCCAGAGACAGAT[G>A]CTGACTTGGATAACAAACAATGCAATAAGTGTAAGAGTGCAAATGGTACCAAATCTCCTT-3'
Protein context (NP_001175.2, residues 891-911): HLLHCLLSKS[Ala901Val]SVSGAAYTEI